The following is an entry in ClinVar:

NM_000222.3(KIT):c.20C>G (p.Ala7Gly)

Gene: KIT (KIT proto-oncogene, receptor tyrosine kinase; plus strand). Cytogenetic location: 4q12.
Variant type: single nucleotide variant.
Coding change: c.20C>G on transcript NM_000222.3 (MANE Select); coding-DNA position 20, C replaced by G.
Protein change: p.Ala7Gly; replaces alanine 7 with glycine.
Molecular consequence: missense variant.
Genome position (GRCh38, 1-based): chr4:54,658,034, C>G. VCF-style: chr4-54658034-C-G. GRCh37 (hg19) VCF-style: chr4-55524201-C-G.
Other names: c.20C>G, p.Ala7Gly (NM_001093772.2, NM_001385284.1, NM_001385285.1 and 4 more transcripts); short protein forms A7G.
Identifiers: ClinVar variation 1785877 (VCV001785877.2), dbSNP rs2109520869, ClinGen allele CA356897882.

ClinVar aggregate classification (germline): Uncertain significance (1 of 4 stars; one submission).

Conditions:
Hereditary cancer-predisposing syndrome. Also called: Neoplastic Syndromes, Hereditary; Tumor predisposition; Hereditary Cancer Syndrome; Hereditary neoplastic syndrome. Identifiers: Orphanet 140162, MedGen C0027672, MeSH D009386, MONDO:0015356.

Submission:

Ambry Genetics
Classification: Uncertain significance for Hereditary cancer-predisposing syndrome. Last evaluated: 2022-09-04. Review status: criteria provided, single submitter. Criteria: Ambry Variant Classification Scheme 2023. Collection method: clinical testing. Allele origin: germline.
Comment: The p.A7G variant (also known as c.20C>G), located in coding exon 1 of the KIT gene, results from a C to G substitution at nucleotide position 20. The alanine at codon 7 is replaced by glycine, an amino acid with similar properties. This amino acid position is conserved. In addition, this alteration is predicted to be tolerated by in silico analysis. Since supporting evidence is limited at this time, the clinical significance of this alteration remains unclear.